The following is an entry in ClinVar:

NM_170606.3(KMT2C):c.6965T>C (p.Val2322Ala)

Gene: KMT2C (lysine methyltransferase 2C; minus strand). Cytogenetic location: 7q36.1.
Variant type: single nucleotide variant.
Coding change: c.6965T>C on transcript NM_170606.3 (MANE Select); coding-DNA position 6965, T replaced by C.
Protein change: p.Val2322Ala; replaces valine 2322 with alanine.
Molecular consequence: missense variant.
Genome position (GRCh38, 1-based): chr7:152,180,895, A>G on the plus strand (T>C on the coding strand, the complement: KMT2C is on the minus strand). VCF-style: chr7-152180895-A-G. GRCh37 (hg19) VCF-style: chr7-151877980-A-G.
Other names: c.6965T>C (NM_170606.2); short protein forms V2322A.
Identifiers: ClinVar variation 134767 (VCV000134767.10), dbSNP rs373237480, ClinGen allele CA160705.

ClinVar aggregate classification (germline): Benign/Likely benign. Review status: criteria provided, multiple submitters, no conflicts (2 of 4 stars). 5 submissions from 5 submitters: Benign (1); Likely benign (2). 2 of the submissions do not count toward it. Last evaluated 2024-03-05.

Conditions:
KMT2C-related disorder. Also called: KMT2C-related disorders; KMT2C-related condition.
Inborn genetic diseases. Identifiers: MedGen C0950123, MeSH D030342.

Allele frequency attached by ClinVar (database versions not stated): gnomAD exomes 0.00006 and 0.00031; gnomAD 0.00013 and 0.00018; TOPMed 0.00018; ExAC 0.00030; 1000 Genomes Project 30x 0.00047; 1000 Genomes Project 0.00060.
gnomAD v4.1: 118 of 1,614,172 alleles (0.0073%); highest among the groups gnomAD compares: East Asian, 0.22%; no homozygotes.

Submissions (5):

Blueprint Genetics
Classification: Likely benign. Last evaluated: 2024-03-05. Review status: criteria provided, single submitter. Criteria: ACMG Guidelines, 2015. Collection method: clinical testing. Allele origin: germline.

Labcorp Genetics (formerly Invitae), Labcorp
Classification: Benign. Last evaluated: 2023-06-11. Review status: criteria provided, single submitter. Criteria: Invitae Variant Classification Sherloc (09022015). Collection method: clinical testing. Allele origin: germline.

Ambry Genetics
Classification: Likely benign for Inborn genetic diseases. Last evaluated: 2022-11-02. Review status: criteria provided, single submitter. Criteria: Ambry Variant Classification Scheme 2023. Collection method: clinical testing. Allele origin: germline.

PreventionGenetics, part of Exact Sciences
Classification: Benign for KMT2C-related condition. Last evaluated: 2023-08-30. Review status: no assertion criteria provided. Collection method: clinical testing. Allele origin: germline. Not counted in ClinVar's aggregate classification.
Comment: This variant is classified as benign based on ACMG/AMP sequence variant interpretation guidelines (Richards et al. 2015 PMID: 25741868, with internal and published modifications).

ITMI
No classification provided. Condition: AllHighlyPenetrant. Last evaluated: 2013-09-19. Review status: no classification provided. Collection method: reference population. Allele origin: germline. Not counted in ClinVar's aggregate classification.
Comment: Please see associated publication for description of ethnicities

Literature cited by the submitters: PubMed 24728327 (cited by ITMI).